The following is an entry in ClinVar:

ClinVar aggregate classification (germline): Uncertain significance (1 of 4 stars; one submission).

Conditions:
Inborn genetic diseases. Identifiers: MedGen C0950123, MeSH D030342.

Submission:

Ambry Genetics
Classification: Uncertain significance for Inborn genetic diseases. Last evaluated: 2025-10-02. Review status: criteria provided, single submitter. Criteria: Ambry Variant Classification Scheme 2023. Collection method: clinical testing. Allele origin: germline.
Comment: The c.407A>G (p.Y136C) alteration is located in exon 5 (coding exon 5) of the RFX7 gene. This alteration results from a A to G substitution at nucleotide position 407, causing the tyrosine (Y) at amino acid position 136 to be replaced by a cysteine (C). Based on data from gnomAD, the G allele has an overall frequency of 0.003% (1/31406) total alleles studied. The highest observed frequency was 0.007% (1/15434) of European (non-Finnish) alleles. Based on insufficient or conflicting evidence, the clinical significance of this alteration remains unclear.

NM_022841.7(RFX7):c.407A>G (p.Tyr136Cys)

Gene: RFX7 (regulatory factor X7; minus strand). Cytogenetic location: 15q21.3.
Variant type: single nucleotide variant.
Coding change: c.407A>G on transcript NM_022841.7 (MANE Select); coding-DNA position 407, A replaced by G.
Protein change: p.Tyr136Cys; replaces tyrosine 136 with cysteine.
Molecular consequence: missense variant.
Genome position (GRCh38, 1-based): chr15:56,103,665, T>C on the plus strand (A>G on the coding strand, the complement: RFX7 is on the minus strand). VCF-style: chr15-56103665-T-C. GRCh37 (hg19) VCF-style: chr15-56395863-T-C.
Other names: c.116A>G, p.Tyr39Cys (NM_001368073.2, NM_001368074.1, NM_001370554.1); c.407A>G, p.Tyr136Cys (NM_001370561.1); short protein forms Y136C, Y39C.
Identifiers: ClinVar variation 4629137 (VCV004629137.1).